The following is an entry in ClinVar:

NM_012309.5(SHANK2):c.3185C>T (p.Pro1062Leu)

Gene: SHANK2 (SH3 and multiple ankyrin repeat domains 2; minus strand). Cytogenetic location: 11q13.3.
Variant type: single nucleotide variant.
Coding change: c.3185C>T on transcript NM_012309.5 (MANE Select); coding-DNA position 3185, C replaced by T.
Protein change: p.Pro1062Leu; replaces proline 1062 with leucine.
Molecular consequence: missense variant.
Genome position (GRCh38, 1-based): chr11:70,487,108, G>A on the plus strand (C>T on the coding strand, the complement: SHANK2 is on the minus strand). VCF-style: chr11-70487108-G-A. GRCh37 (hg19) VCF-style: chr11-70333213-G-A.
Other names: c.3134C>T, p.Pro1045Leu (NM_001441026.1, NM_001441027.1, NM_001441028.1 and 8 more transcripts); c.3107C>T, p.Pro1036Leu (NM_001441035.1, NM_001441036.1, NM_001441037.1); c.1370C>T, p.Pro457Leu (NM_001441045.1); c.1343C>T, p.Pro448Leu (NM_001441046.1); c.1289C>T, p.Pro430Leu (NM_001441047.1); c.1421C>T, p.Pro474Leu (NM_133266.5); c.2048C>T, p.Pro683Leu (NM_001379226.1); c.3305C>T, p.Pro1102Leu (NM_001441024.1); and 6 more; short protein forms P1021L, P1036L, P1045L, P1062L, P1102L, P430L, P448L, P457L.
Identifiers: ClinVar variation 4822988 (VCV004822988.4).
Genomic context (GRCh38, chr11:70,487,108, plus strand): 5'-ATGGCGGCGGCAAAGGGGCTGCTGACGGTCAGGCTTTCGTCAGGCCGCAGCTGGCTCGGT[G>A]GCTCCGGGGCCTGGGGGTCGATCTCCATGCTGCTGCCCTGGCTGCTCTTGCCGCTGCTGC-3'
Protein context (NP_036441.2, residues 1052-1072): SMEIDPQAPE[Pro1062Leu]PSQLRPDESL

ClinVar aggregate classification (germline): Likely benign (1 of 4 stars; one submission).

gnomAD v4.1: 70 of 1,611,188 alleles (0.0043%); highest among the groups gnomAD compares: Admixed American, 0.12%; no homozygotes.

Submission:

CeGaT Center for Human Genetics Tuebingen
Classification: Likely benign. Last evaluated: 2026-03-01. Review status: criteria provided, single submitter. Criteria: CeGaT Center For Human Genetics Tuebingen Variant Classification Criteria Version 2. Collection method: clinical testing. Allele origin: germline. Affected: yes. Observed: 1 variant allele.
Comment: SHANK2: BP4, BS1